The following is an entry in ClinVar:

NM_032043.3(BRIP1):c.3632G>A (p.Gly1211Asp)

Gene: BRIP1 (BRCA1 interacting DNA helicase 1; minus strand). Cytogenetic location: 17q23.2.
Variant type: single nucleotide variant.
Coding change: c.3632G>A on transcript NM_032043.3 (MANE Select); coding-DNA position 3632, G replaced by A.
Protein change: p.Gly1211Asp; replaces glycine 1211 with aspartic acid.
Molecular consequence: missense variant.
Genome position (GRCh38, 1-based): chr17:61,683,414, C>T on the plus strand (G>A on the coding strand, the complement: BRIP1 is on the minus strand). VCF-style: chr17-61683414-C-T. GRCh37 (hg19) VCF-style: chr17-59760775-C-T.
Other names: short protein forms G1211D.
Identifiers: ClinVar variation 3993115 (VCV003993115.1).

ClinVar aggregate classification (germline): Uncertain significance (1 of 4 stars; one submission).

Conditions:
Hereditary cancer-predisposing syndrome. Also called: Tumor predisposition; Hereditary neoplastic syndrome; Neoplastic Syndromes, Hereditary; Hereditary Cancer Syndrome. Identifiers: Orphanet 140162, MedGen C0027672, MeSH D009386, MONDO:0015356.

Submission:

Ambry Genetics
Classification: Uncertain significance for Hereditary cancer-predisposing syndrome. Last evaluated: 2025-05-15. Review status: criteria provided, single submitter. Criteria: Ambry Variant Classification Scheme 2023. Collection method: clinical testing. Allele origin: germline.
Comment: The p.G1211D variant (also known as c.3632G>A), located in coding exon 19 of the BRIP1 gene, results from a G to A substitution at nucleotide position 3632. The glycine at codon 1211 is replaced by aspartic acid, an amino acid with similar properties. This amino acid position is conserved. In addition, this alteration is predicted to be tolerated by in silico analysis. Based on the available evidence, the clinical significance of this variant remains unclear.